The following is an entry in ClinVar:

NM_019098.5(CNGB3):c.644-1G>C

Gene: CNGB3 (cyclic nucleotide gated channel subunit beta 3; minus strand). Cytogenetic location: 8q21.3.
Variant type: single nucleotide variant.
Coding change: c.644-1G>C on transcript NM_019098.5 (MANE Select); the canonical splice acceptor site of the intron before coding-DNA position 644, G replaced by C.
Molecular consequence: splice acceptor variant.
Genome position (GRCh38, 1-based): chr8:86,667,134, C>G on the plus strand (G>C on the coding strand, the complement: CNGB3 is on the minus strand). VCF-style: chr8-86667134-C-G. GRCh37 (hg19) VCF-style: chr8-87679362-C-G.
Identifiers: ClinVar variation 188780 (VCV000188780.27), dbSNP rs201794629, ClinGen allele CA273948.

ClinVar aggregate classification (germline): Pathogenic. Review status: criteria provided, multiple submitters, no conflicts (2 of 4 stars). 11 submissions from 11 submitters: Pathogenic (7). 4 of the submissions do not count toward it. Last evaluated 2026-02-02.

Conditions:
Achromatopsia 3 (ACHM3). Also called: ACHROMATOPSIA WITH MYOPIA; PINGELAPESE BLINDNESS; TOTAL COLORBLINDNESS WITH MYOPIA; ROD MONOCHROMACY 1; ROD MONOCHROMATISM 1. Identifiers: Orphanet 49382, MedGen C1849792, MONDO:0009875, OMIM 262300.
Severe early-childhood-onset retinal dystrophy (STGD1). Also called: Stargardt macular dystrophy; Juvenile onset macular degeneration; Stargardt disease 1; STGD; MACULAR DYSTROPHY WITH FLECKS, TYPE 1. Identifiers: Orphanet 364055, Orphanet 827, MedGen C1855465, MeSH D000080362, MONDO:0009549, OMIM 248200.
Retinitis pigmentosa (RP). Identifiers: Orphanet 791, MedGen C0035334, MeSH D012174, MONDO:0019200, OMIM 268000. Inheritance: Autosomal dominant, autosomal recessive and X linked inheritance.
Achromatopsia. Also called: Rod monochromatism. Identifiers: Orphanet 49382, MedGen C0152200, MONDO:0018852, HP:0011516.
CNGB3-related disorder. Also called: CNGB3-related disorders; CNGB3-related condition. Identifiers: MedGen CN239340.

Allele frequency attached by ClinVar (database versions not stated): gnomAD 0.00002 and 0.00001; gnomAD exomes 0.00004; TOPMed 0.00004; ExAC 0.00003.
gnomAD v4.1: 29 of 1,613,178 alleles (0.0018%); highest among the groups gnomAD compares: Non-Finnish European, 0.00042%; no homozygotes.

Submissions (11):

Labcorp Genetics (formerly Invitae), Labcorp
Classification: Pathogenic. Last evaluated: 2026-02-02. Review status: criteria provided, single submitter. Criteria: Invitae Variant Classification Sherloc (09022015). Collection method: clinical testing. Allele origin: germline.
Comment: This sequence change affects an acceptor splice site in intron 5 of the CNGB3 gene. It is expected to disrupt RNA splicing. Variants that disrupt the donor or acceptor splice site typically lead to a loss of protein function (PMID: 16199547), and loss-of-function variants in CNGB3 are known to be pathogenic (PMID: 28795510). This variant is present in population databases (rs201794629, gnomAD 0.09%). Disruption of this splice site has been observed in individuals with achromatopsia (PMID: 15657609, 25616768, 28795510). ClinVar contains an entry for this variant (Variation ID: 188780). Algorithms developed to predict the effect of sequence changes on RNA splicing suggest that this variant may disrupt the consensus splice site. For these reasons, this variant has been classified as Pathogenic.

Natera, Inc.
Classification: Pathogenic for Achromatopsia. Last evaluated: 2025-06-27. Review status: criteria provided, single submitter. Criteria: Natera Variant Classification Schema (03/2026). Collection method: clinical testing. Allele origin: germline.
Comment: The c.644-1G>C variant in CNGB3 is a canonical splice acceptor site variant predicted to affect pre-mRNA splicing, which may result in an abnormal transcript and altered protein product. This variant is expected to result in nonsense mediated decay, truncation, or a dysfunctional protein product. This variant is rare in the general population with a frequency below the threshold expected for the associated phenotype(s). This variant has been observed in one or more individuals affected with the associated recessive disease, as either homozygous or compound heterozygous with a second variant (PMID: 28795510). Given the available evidence, this variant is classified as Pathogenic.

Women's Health and Genetics/Laboratory Corporation of America, LabCorp
Classification: Pathogenic for Achromatopsia 3. Last evaluated: 2025-02-07. Review status: criteria provided, single submitter. Criteria: LabCorp Variant Classification Summary - May 2015. Collection method: clinical testing. Allele origin: germline.
Comment: Variant summary: CNGB3 c.644-1G>C is located in a canonical splice-site and is predicted to affect mRNA splicing resulting in a significantly altered protein due to either exon skipping, shortening, or inclusion of intronic material. Variants that disrupt the consensus splice site are a relatively common cause of aberrant splicing and loss of CNGB3 function. Several computational tools predict a significant impact on normal splicing: Four predict the variant abolishes a 3' acceptor site. However, these predictions have yet to be confirmed by functional studies. The variant allele was found at a frequency of 4e-05 in 250676 control chromosomes. This frequency is not significantly higher than estimated for a pathogenic variant in CNGB3 causing Achromatopsia, allowing no conclusion about variant significance. c.644-1G>C has been reported in the literature in the homozygous and presumed compound heterozygous state in numerous individuals affected with Achromatopsia (example, Aweidah_2021). These data indicate that the variant is likely to be associated with disease. To our knowledge, no experimental evidence demonstrating an impact on protein function has been reported. The following publication has been ascertained in the context of this evaluation (PMID: 34703197). ClinVar contains an entry for this variant (Variation ID: 188780). Based on the evidence outlined above, the variant was classified as pathogenic.

Blueprint Genetics
Classification: Pathogenic for CNGB3-related disorders. Last evaluated: 2023-08-31. Review status: criteria provided, single submitter. Criteria: ACMG Guidelines, 2015. Collection method: clinical testing. Allele origin: germline. Affected: yes. Observed: 3 variant alleles.

Department of Pathology and Laboratory Medicine, Sinai Health System
Classification: Pathogenic for Achromatopsia 3. Last evaluated: 2022-05-17. Review status: criteria provided, single submitter. Criteria: ACMG Guidelines, 2015. Collection method: research. Allele origin: germline.

Fulgent Genetics
Classification: Pathogenic for Achromatopsia 3. Last evaluated: 2022-03-18. Review status: criteria provided, single submitter. Criteria: ACMG Guidelines, 2015. Collection method: clinical testing. Allele origin: unknown.

GeneDx
Classification: Pathogenic. Last evaluated: 2020-01-06. Review status: criteria provided, single submitter. Criteria: GeneDx Variant Classification Process June 2021. Collection method: clinical testing. Allele origin: germline. Affected: yes.
Comment: Canonical splice site variant in a gene for which loss-of-function is a known mechanism of disease; This variant is associated with the following publications: (PMID: 31456290, 28795510, 25616768, 15657609, 31544997)

PreventionGenetics, part of Exact Sciences
Classification: Pathogenic for CNGB3-related condition. Last evaluated: 2024-03-26. Review status: no assertion criteria provided. Collection method: clinical testing. Allele origin: germline. Not counted in ClinVar's aggregate classification.
Comment: The CNGB3 c.644-1G>C variant is predicted to disrupt the AG splice acceptor site and interfere with normal splicing. This variant was reported in individuals with achromatopsia (Kohl et al. 2005. PubMed ID: 15657609; Table S2, Sharon et al. 2019. PubMed ID: 31456290). This variant is reported in 0.097% of alleles in individuals of Ashkenazi Jewish descent in gnomAD. Variants that disrupt the consensus splice acceptor site in CNGB3 are expected to be pathogenic. This variant is interpreted as pathogenic.

Sharon lab, Hadassah-Hebrew University Medical Center
Classification: Pathogenic for achromatopsia. Last evaluated: 2019-06-23. Review status: no assertion criteria provided. Collection method: research. Allele origin: inherited. Affected: yes. Not counted in ClinVar's aggregate classification.

Molecular Genetics Laboratory, Institute for Ophthalmic Research
Classification: Pathogenic for ACHM3. Last evaluated: 2017-03-27. Review status: no assertion criteria provided. Collection method: research. Allele origin: germline. Affected: yes. Not counted in ClinVar's aggregate classification.

Counsyl
Classification: Likely pathogenic for Achromatopsia 3. Last evaluated: 2014-05-12. Review status: no assertion criteria provided. Collection method: literature only. Allele origin: unknown. Inheritance: Autosomal recessive inheritance. Not counted in ClinVar's aggregate classification.

Literature cited by the submitters: PubMed 16199547 (cited by Labcorp Genetics (formerly Invitae), Labcorp); PubMed 28795510 (cited by 3 submitters); PubMed 15657609 (cited by Labcorp Genetics (formerly Invitae), Labcorp and Counsyl); PubMed 25616768 (cited by Labcorp Genetics (formerly Invitae), Labcorp); PubMed 34703197 (cited by Women's Health and Genetics/Laboratory Corporation of America, LabCorp).